The following is an entry in ClinVar:

ClinVar aggregate classification (germline): Benign/Likely benign. Review status: criteria provided, multiple submitters, no conflicts (2 of 4 stars). 4 submissions from 4 submitters: Benign (1); Likely benign (3). Last evaluated 2026-02-01.

Conditions:
Combined immunodeficiency due to LRBA deficiency. Also called: Common variable immunodeficiency 8, with autoimmunity. Identifiers: Orphanet 445018, MedGen C3553512, MONDO:0013863, OMIM 614700.

Allele frequency attached by ClinVar (database versions not stated): gnomAD exomes 0.00018 and 0.00038; ExAC 0.00050; TOPMed 0.00091; gnomAD 0.00096; ESP Exome Variant Server 0.00100; 1000 Genomes Project 30x 0.00219; 1000 Genomes Project 0.00220.
gnomAD v4.1: 437 of 1,610,318 alleles (0.027%); highest among the groups gnomAD compares: African/African-American, 0.33%; no homozygotes.

Submissions (4):

Labcorp Genetics (formerly Invitae), Labcorp
Classification: Benign for Combined immunodeficiency due to LRBA deficiency. Last evaluated: 2026-02-01. Review status: criteria provided, single submitter. Criteria: Invitae Variant Classification Sherloc (09022015). Collection method: clinical testing. Allele origin: germline.

Mayo Clinic Laboratories, Mayo Clinic
Classification: Likely benign. Last evaluated: 2025-06-10. Review status: criteria provided, single submitter. Criteria: ACMG Guidelines, 2015. Collection method: clinical testing. Allele origin: germline. Observed: 1 variant allele.
Comment: BS1, BP4, BP7

Blueprint Genetics
Classification: Likely benign. Last evaluated: 2024-11-04. Review status: criteria provided, single submitter. Criteria: ACMG Guidelines, 2015. Collection method: clinical testing. Allele origin: germline.

CeGaT Center for Human Genetics Tuebingen
Classification: Likely benign. Last evaluated: 2023-02-01. Review status: criteria provided, single submitter. Criteria: CeGaT Center For Human Genetics Tuebingen Variant Classification Criteria Version 2. Collection method: clinical testing. Allele origin: germline. Affected: yes. Observed: 1 variant allele.
Comment: LRBA: BP4, BP7

NM_001364905.1(LRBA):c.6387A>C (p.Ser2129=)

Gene: LRBA (LPS responsive beige-like anchor protein; minus strand). Cytogenetic location: 4q31.3.
Variant type: single nucleotide variant.
Coding change: c.6387A>C on transcript NM_001364905.1 (MANE Select); coding-DNA position 6387, A replaced by C.
Protein change: p.Ser2129=; no amino-acid change (serine 2129 retained).
Molecular consequence: synonymous variant.
Genome position (GRCh38, 1-based): chr4:150,490,979, T>G on the plus strand (A>C on the coding strand, the complement: LRBA is on the minus strand). VCF-style: chr4-150490979-T-G. GRCh37 (hg19) VCF-style: chr4-151412131-T-G.
Other names: p.Ser2140=; c.6387A>C, p.Ser2129= (NM_001367550.1, NM_001199282.3); c.6420A>C, p.Ser2140= (NM_006726.5).
Identifiers: ClinVar variation 540405 (VCV000540405.37), dbSNP rs144748889, ClinGen allele CA3101951.
Genomic context (GRCh38, chr4:150,490,979, plus strand): 5'-TCTGTTTGCCATAAAGATCTCCAGGGCTGTATTTTGCAAAAGATAACGACGAGAAAAGAT[T>G]GATCGTATCTCTGTGAACAGCCATTTTCCATGCAGCCCTTCTGTATATGCCAAGATCTAA-3'
Protein context (NP_001351834.1, residues 2119-2139): HGKWLFTEIR[Ser2129=]IFSRRYLLQN